The following is an entry in ClinVar:

NM_000302.4(PLOD1):c.893C>T (p.Thr298Met)

Gene: PLOD1 (procollagen-lysine,2-oxoglutarate 5-dioxygenase 1; plus strand). Cytogenetic location: 1p36.22.
Variant type: single nucleotide variant.
Coding change: c.893C>T on transcript NM_000302.4 (MANE Select); coding-DNA position 893, C replaced by T.
Protein change: p.Thr298Met; replaces threonine 298 with methionine.
Molecular consequence: missense variant.
Genome position (GRCh38, 1-based): chr1:11,958,565, C>T. VCF-style: chr1-11958565-C-T. GRCh37 (hg19) VCF-style: chr1-12018622-C-T.
Other names: c.1034C>T, p.Thr345Met (NM_001316320.2); short protein forms T298M, T345M.
Identifiers: ClinVar variation 529344 (VCV000529344.9), dbSNP rs879902079, ClinGen allele CA18003679.

ClinVar aggregate classification (germline): Uncertain significance. Review status: criteria provided, multiple submitters, no conflicts (2 of 4 stars). 2 submissions from 2 submitters: Uncertain significance (2). Last evaluated 2025-04-07.

Conditions:
Familial thoracic aortic aneurysm and aortic dissection (TAAD). Also called: Thoracic aortic aneurysms and dissections. Identifiers: Orphanet 91387, MedGen C4707243, MONDO:0019625.
Ehlers-Danlos syndrome, kyphoscoliotic type 1 (EDSKSCL1). Also called: EHLERS-DANLOS SYNDROME, TYPE VIA; PLOD1-Related Kyphoscoliotic Ehlers-Danlos Syndrome; Ehlers-Danlos syndrome, hydroxylysine-deficient; EHLERS-DANLOS SYNDROME, OCULAR-SCOLIOTIC TYPE. Identifiers: Orphanet 1900, MedGen C0268342, MONDO:0016002, OMIM 225400. Disease mechanism: loss of function.

Allele frequency attached by ClinVar (database versions not stated): gnomAD exomes 0.00001 and 0.00002; TOPMed 0.00002; gnomAD 0.00003.
gnomAD v4.1: 31 of 1,613,964 alleles (0.0019%); highest among the groups gnomAD compares: African/African-American, 0.0053%; no homozygotes.

Submissions (2):

Ambry Genetics
Classification: Uncertain significance for Familial thoracic aortic aneurysm and aortic dissection. Last evaluated: 2025-04-07. Review status: criteria provided, single submitter. Criteria: Ambry Variant Classification Scheme 2023. Collection method: clinical testing. Allele origin: germline.
Comment: The p.T298M variant (also known as c.893C>T), located in coding exon 9 of the PLOD1 gene, results from a C to T substitution at nucleotide position 893. The threonine at codon 298 is replaced by methionine, an amino acid with similar properties. This amino acid position is highly conserved in available vertebrate species. In addition, the in silico prediction for this alteration is inconclusive. Since supporting evidence is limited at this time, the clinical significance of this alteration remains unclear.

Labcorp Genetics (formerly Invitae), Labcorp
Classification: Uncertain significance for Ehlers-Danlos syndrome, kyphoscoliotic type 1. Last evaluated: 2022-06-10. Review status: criteria provided, single submitter. Criteria: Invitae Variant Classification Sherloc (09022015). Collection method: clinical testing. Allele origin: germline.
Comment: This sequence change replaces threonine, which is neutral and polar, with methionine, which is neutral and non-polar, at codon 298 of the PLOD1 protein (p.Thr298Met). This variant is present in population databases (no rsID available, gnomAD 0.004%). This variant has not been reported in the literature in individuals affected with PLOD1-related conditions. ClinVar contains an entry for this variant (Variation ID: 529344). Algorithms developed to predict the effect of missense changes on protein structure and function are either unavailable or do not agree on the potential impact of this missense change (SIFT: "Tolerated"; PolyPhen-2: "Probably Damaging"; Align-GVGD: "Class C0"). In summary, the available evidence is currently insufficient to determine the role of this variant in disease. Therefore, it has been classified as a Variant of Uncertain Significance.